The following is an entry in ClinVar:

NM_002693.3(POLG):c.2243_2246del (p.Trp748fs)

Gene: POLG (DNA polymerase gamma, catalytic subunit; minus strand). Cytogenetic location: 15q26.1.
Variant type: Deletion.
Coding change: c.2243_2246del on transcript NM_002693.3 (MANE Select); coding-DNA positions 2243 to 2246, 4 bases deleted (GGTT; older notation c.2243_2246delGGTT).
Protein change: p.Trp748fs; shifts the reading frame from tryptophan 748.
Molecular consequence: frameshift variant.
Genome position (GRCh38, 1-based): chr15:89,323,423-89,323,426, AACC deleted on the plus strand (GGTT on the coding strand, the reverse complement: POLG is on the minus strand); deleting any 4 consecutive bases within chr15:89,323,423-89,323,427 gives the same sequence; the c. name uses the placement nearest the transcript's 3' end. VCF-style (leftmost placement, unchanged base first): chr15-89323422-AAACC-A. GRCh37 (hg19) VCF-style: chr15-89866653-AAACC-A.
Other names: c.2243_2246del, p.Trp748fs (NM_001126131.2); short protein forms W748fs.
Identifiers: ClinVar variation 5012983 (VCV005012983.1).

ClinVar aggregate classification (germline): Pathogenic (1 of 4 stars; one submission).

Conditions:
POLG-related disorder. Also called: POLG-Related Spectrum Disorders; POLG-related condition; POLG-Related Disorders. Identifiers: MedGen C4763519.

Submission:

Myriad Genetics, Inc.
Classification: Pathogenic for POLG-related disorder. Last evaluated: 2024-05-01. Review status: criteria provided, single submitter. Criteria: Myriad Autosomal Dominant, Autosomal Recessive and X-Linked Classification Criteria (2023). Collection method: clinical testing. Allele origin: unknown.
Comment: NM_002693.2(POLG):c.2243_2246delGGTT(W748Ffs*49) is expected to be pathogenic in the context of POLG-related disorders. This variant is predicted to lead to an abnormal or absent protein product due to the creation of a premature termination codon in POLG, a gene where loss-of-function variants are known to be pathogenic. Please note: this variant was assessed in the context of healthy population screening.